The following is an entry in ClinVar:

ClinVar aggregate classification (germline): Uncertain significance (1 of 4 stars; one submission).

Conditions:
Familial thoracic aortic aneurysm and aortic dissection (TAAD). Also called: Thoracic aortic aneurysms and dissections. Identifiers: Orphanet 91387, MedGen C4707243, MONDO:0019625.

Submission:

Ambry Genetics
Classification: Uncertain significance for Familial thoracic aortic aneurysm and aortic dissection. Last evaluated: 2025-11-26. Review status: criteria provided, single submitter. Criteria: Ambry Variant Classification Scheme 2023. Collection method: clinical testing. Allele origin: germline.
Comment: The c.643+3G>A intronic variant results from a G to A substitution 3 nucleotides after coding exon 6 in the PLOD1 gene. This nucleotide position is well conserved in available vertebrate species. In silico splice site analysis predicts that this alteration will not have any significant effect on splicing. Based on the available evidence, the clinical significance of this variant remains unclear.

NM_000302.4(PLOD1):c.643+3G>A

Gene: PLOD1 (procollagen-lysine,2-oxoglutarate 5-dioxygenase 1; plus strand). Cytogenetic location: 1p36.22.
Variant type: single nucleotide variant.
Coding change: c.643+3G>A on transcript NM_000302.4 (MANE Select); 3 bases into the intron after coding-DNA position 643, G replaced by A.
Molecular consequence: intron variant.
Genome position (GRCh38, 1-based): chr1:11,954,896, G>A. VCF-style: chr1-11954896-G-A. GRCh37 (hg19) VCF-style: chr1-12014953-G-A.
Other names: c.784+3G>A (NM_001316320.2).
Identifiers: ClinVar variation 4635512 (VCV004635512.1).